The following is an entry in ClinVar:

ClinVar aggregate classification (germline): Uncertain significance. Review status: criteria provided, multiple submitters, no conflicts (2 of 4 stars). 2 submissions from 2 submitters: Uncertain significance (2). Last evaluated 2023-12-07.

Allele frequency attached by ClinVar (database versions not stated): gnomAD 0.00001.
gnomAD v4.1: 4 of 1,603,868 alleles (0.00025%); highest among the groups gnomAD compares: East Asian, 0.0023%; no homozygotes.

Submissions (2):

Labcorp Genetics (formerly Invitae), Labcorp
Classification: Uncertain significance. Last evaluated: 2023-12-07. Review status: criteria provided, single submitter. Criteria: Invitae Variant Classification Sherloc (09022015). Collection method: clinical testing. Allele origin: germline.
Comment: This sequence change replaces serine, which is neutral and polar, with leucine, which is neutral and non-polar, at codon 36 of the FSCN2 protein (p.Ser36Leu). The frequency data for this variant in the population databases is considered unreliable, as metrics indicate poor data quality at this position in the gnomAD database. This variant has not been reported in the literature in individuals affected with FSCN2-related conditions. ClinVar contains an entry for this variant (Variation ID: 1006540). An algorithm developed to predict the effect of missense changes on protein structure and function (PolyPhen-2) suggests that this variant is likely to be disruptive. In summary, the available evidence is currently insufficient to determine the role of this variant in disease. Therefore, it has been classified as a Variant of Uncertain Significance.

Breakthrough Genomics
Classification: Uncertain significance. Review status: criteria provided, single submitter. Criteria: ACMG Guidelines, 2015. Collection method: not provided. Allele origin: germline. Inheritance: Unknown mechanism. Affected: yes.

NM_012418.4(FSCN2):c.107C>T (p.Ser36Leu)

Gene: FSCN2 (fascin actin-bundling protein 2, retinal; plus strand). Cytogenetic location: 17q25.3.
Variant type: single nucleotide variant.
Coding change: c.107C>T on transcript NM_012418.4 (MANE Select); coding-DNA position 107, C replaced by T.
Protein change: p.Ser36Leu; replaces serine 36 with leucine.
Molecular consequence: missense variant.
Genome position (GRCh38, 1-based): chr17:81,528,638, C>T. VCF-style: chr17-81528638-C-T. GRCh37 (hg19) VCF-style: chr17-79495664-C-T.
Other names: c.107C>T, p.Ser36Leu (NM_001077182.3); short protein forms S36L.
Identifiers: ClinVar variation 1006540 (VCV001006540.11), dbSNP rs1555670532, ClinGen allele CA401469730.